The following is an entry in ClinVar:

ClinVar aggregate classification (germline): Likely pathogenic (1 of 4 stars; one submission).

Submission:

Labcorp Genetics (formerly Invitae), Labcorp
Classification: Likely pathogenic. Last evaluated: 2023-05-08. Review status: criteria provided, single submitter. Criteria: Invitae Variant Classification Sherloc (09022015). Collection method: clinical testing. Allele origin: germline.
Comment: Advanced modeling of protein sequence and biophysical properties (such as structural, functional, and spatial information, amino acid conservation, physicochemical variation, residue mobility, and thermodynamic stability) performed at Invitae indicates that this missense variant is expected to disrupt CNGA3 protein function. In summary, the currently available evidence indicates that the variant is pathogenic, but additional data are needed to prove that conclusively. Therefore, this variant has been classified as Likely Pathogenic. This missense change has been observed in individual(s) with achromatopsia (Invitae). In at least one individual the data is consistent with being in trans (on the opposite chromosome) from a pathogenic variant. This sequence change replaces arginine, which is basic and polar, with proline, which is neutral and non-polar, at codon 603 of the CNGA3 protein (p.Arg603Pro). This variant is not present in population databases (gnomAD no frequency).

NM_001298.3(CNGA3):c.1808G>C (p.Arg603Pro)

Gene: CNGA3 (cyclic nucleotide gated channel subunit alpha 3; plus strand). Cytogenetic location: 2q11.2.
Variant type: single nucleotide variant.
Coding change: c.1808G>C on transcript NM_001298.3 (MANE Select); coding-DNA position 1808, G replaced by C.
Protein change: p.Arg603Pro; replaces arginine 603 with proline.
Molecular consequence: missense variant.
Genome position (GRCh38, 1-based): chr2:98,396,978, G>C. VCF-style: chr2-98396978-G-C. GRCh37 (hg19) VCF-style: chr2-99013441-G-C.
Other names: c.1754G>C, p.Arg585Pro (NM_001079878.2); short protein forms R585P, R603P.
Identifiers: ClinVar variation 1024475 (VCV001024475.8), dbSNP rs372215423, ClinGen allele CA347834338.